The following is an entry in ClinVar:

NM_000448.3(RAG1):c.2445A>G (p.Ile815Met)

Gene: RAG1 (recombination activating 1; plus strand). Cytogenetic location: 11p12.
Variant type: single nucleotide variant.
Coding change: c.2445A>G on transcript NM_000448.3 (MANE Select); coding-DNA position 2445, A replaced by G.
Protein change: p.Ile815Met; replaces isoleucine 815 with methionine.
Molecular consequence: missense variant.
Genome position (GRCh38, 1-based): chr11:36,575,749, A>G. VCF-style: chr11-36575749-A-G. GRCh37 (hg19) VCF-style: chr11-36597299-A-G.
Other names: c.2445A>G, p.Ile815Met (NM_001377277.1, NM_001377278.1, NM_001377279.1 and 1 more transcripts); c.2445A>G (NM_000448.2); short protein forms I815M.
Identifiers: ClinVar variation 1003591 (VCV001003591.8), dbSNP rs748162851, ClinGen allele CA5950262.

ClinVar aggregate classification (germline): Uncertain significance. Review status: criteria provided, multiple submitters, no conflicts (2 of 4 stars). 3 submissions from 3 submitters: Uncertain significance (3). Last evaluated 2024-05-26.

Conditions:
Inborn genetic diseases. Identifiers: MedGen C0950123, MeSH D030342.
Severe combined immunodeficiency, autosomal recessive, T cell-negative, B cell-negative, NK cell-positive. Also called: SCID, AR, T-cell negative, B-cell negative, NK cell-positive; Severe combined immunodeficiency due to complete RAG1/2 deficiency; SCID, T CELL-NEGATIVE, B CELL-NEGATIVE, NK CELL-POSITIVE. Identifiers: Orphanet 331206, MedGen C1832322, MONDO:0011086, OMIM 601457.
Combined immunodeficiency with skin granulomas. Identifiers: Orphanet 157949, MedGen C2673536, MONDO:0009306, OMIM 233650.

Allele frequency attached by ClinVar (database versions not stated): gnomAD 0.00001; TOPMed 0.00001; ExAC 0.00002; gnomAD exomes 0.00002.
gnomAD v4.1: 24 of 1,614,114 alleles (0.0015%); highest among the groups gnomAD compares: Admixed American, 0.0033%; no homozygotes.

Submissions (3):

Ambry Genetics
Classification: Uncertain significance for Inborn genetic diseases. Last evaluated: 2024-05-26. Review status: criteria provided, single submitter. Criteria: Ambry Variant Classification Scheme 2023. Collection method: clinical testing. Allele origin: germline.

Blueprint Genetics
Classification: Uncertain significance. Last evaluated: 2024-04-02. Review status: criteria provided, single submitter. Criteria: ACMG Guidelines, 2015. Collection method: clinical testing. Allele origin: germline.

Labcorp Genetics (formerly Invitae), Labcorp
Classification: Uncertain significance for Combined immunodeficiency with skin granulomas; Severe combined immunodeficiency, autosomal recessive, T cell-negative, B cell-negative, NK cell-positive. Last evaluated: 2021-08-24. Review status: criteria provided, single submitter. Criteria: Invitae Variant Classification Sherloc (09022015). Collection method: clinical testing. Allele origin: germline.
Comment: This sequence change replaces isoleucine with methionine at codon 815 of the RAG1 protein (p.Ile815Met). The isoleucine residue is highly conserved and there is a small physicochemical difference between isoleucine and methionine. This variant is present in population databases (rs748162851, ExAC 0.003%). This variant has not been reported in the literature in individuals affected with RAG1-related conditions. Algorithms developed to predict the effect of missense changes on protein structure and function are either unavailable or do not agree on the potential impact of this missense change (SIFT: "Deleterious"; PolyPhen-2: "Probably Damaging"; Align-GVGD: "Class C0"). In summary, the available evidence is currently insufficient to determine the role of this variant in disease. Therefore, it has been classified as a Variant of Uncertain Significance.